The following is an entry in ClinVar:

NM_000260.4(MYO7A):c.604del (p.Ala202fs)

Gene: MYO7A (myosin VIIA; plus strand). Cytogenetic location: 11q13.5.
Variant type: Deletion.
Coding change: c.604del on transcript NM_000260.4 (MANE Select); coding-DNA position 604, one base deleted (G; older notation c.604delG).
Protein change: p.Ala202fs; shifts the reading frame from alanine 202.
Molecular consequence: frameshift variant.
Genome position (GRCh38, 1-based): chr11:77,156,873, G deleted. VCF-style (leftmost placement, unchanged base first): chr11-77156872-TG-T. GRCh37 (hg19) VCF-style: chr11-76867918-TG-T.
Other names: c.604del, p.Ala202fs (NM_001127180.2); c.571del, p.Ala191fs (NM_001369365.1); short protein forms A202fs, A191fs.
Identifiers: ClinVar variation 1965262 (VCV001965262.6), dbSNP rs781815916, ClinGen allele CA6197200.

ClinVar aggregate classification (germline): Pathogenic/Likely pathogenic. Review status: criteria provided, multiple submitters, no conflicts (2 of 4 stars). 2 submissions from 2 submitters: Pathogenic (1); Likely pathogenic (1). Last evaluated 2024-01-20.

Conditions:
Usher syndrome type 1 (USH1). Also called: RETINITIS PIGMENTOSA AND CONGENITAL DEAFNESS. Identifiers: Orphanet 231169, Orphanet 886, MedGen C1568247, MONDO:0010168, OMIM 276900.
Autosomal dominant nonsyndromic hearing loss 11. Identifiers: Orphanet 90635, MedGen C1832475, MONDO:0011032, OMIM 601317.
Autosomal recessive nonsyndromic hearing loss 2. Also called: DEAFNESS, AUTOSOMAL RECESSIVE 2; NEUROSENSORY NONSYNDROMIC RECESSIVE DEAFNESS 2. Identifiers: Orphanet 90636, MedGen C1838701, MONDO:0010807, OMIM 600060.

Allele frequency attached by ClinVar (database versions not stated): ExAC 0.00001; gnomAD 0.00001.

Submissions (2):

Fulgent Genetics
Classification: Likely pathogenic for Usher syndrome type 1; Autosomal recessive nonsyndromic hearing loss 2; Autosomal dominant nonsyndromic hearing loss 11. Last evaluated: 2024-01-20. Review status: criteria provided, single submitter. Criteria: ACMG Guidelines, 2015. Collection method: clinical testing. Allele origin: germline.

Labcorp Genetics (formerly Invitae), Labcorp
Classification: Pathogenic. Last evaluated: 2022-07-11. Review status: criteria provided, single submitter. Criteria: Invitae Variant Classification Sherloc (09022015). Collection method: clinical testing. Allele origin: germline.
Comment: For these reasons, this variant has been classified as Pathogenic. This variant has not been reported in the literature in individuals affected with MYO7A-related conditions. This variant is present in population databases (rs781815916, gnomAD 0.007%). This sequence change creates a premature translational stop signal (p.Ala202Profs*61) in the MYO7A gene. It is expected to result in an absent or disrupted protein product. Loss-of-function variants in MYO7A are known to be pathogenic (PMID: 8900236, 25404053).

Literature cited by the submitters: PubMed 8900236 (cited by Labcorp Genetics (formerly Invitae), Labcorp); PubMed 25404053 (cited by Labcorp Genetics (formerly Invitae), Labcorp).